The following is an entry in ClinVar:

ClinVar aggregate classification (germline): Likely pathogenic (1 of 4 stars; one submission).

Conditions:
Retinitis pigmentosa 9 (RP9). Identifiers: Orphanet 791, MedGen C1867300, MONDO:0008378, OMIM 180104.

gnomAD v4.1: 1 of 1,405,358 alleles (0.000071%); highest among the groups gnomAD compares: Non-Finnish European, 0.000093%; no homozygotes.

Submission:

MVZ Medizinische Genetik Mainz
Classification: Likely pathogenic for Retinitis pigmentosa 9. Last evaluated: 2022-10-11. Review status: criteria provided, single submitter. Criteria: UK Practice Guidelines For Variant Classification V4 01 2020. Collection method: clinical testing. Allele origin: germline. Inheritance: Autosomal dominant inheritance. Affected: yes. Observed: 1 variant allele.
Comment: ACMG Criteria: PVS1, PM2_SUP

NM_203288.2(RP9):c.5C>A (p.Ser2Ter)

Genes: RP9 (RP9 pre-mRNA splicing factor; minus strand), LOC129998225 (ATAC-STARR-seq lymphoblastoid silent region 18090; plus strand). Cytogenetic location: 7p14.3.
Variant type: single nucleotide variant.
Coding change: c.5C>A on transcript NM_203288.2 (MANE Select); coding-DNA position 5, C replaced by A.
Protein change: p.Ser2Ter; replaces serine 2 with a stop codon.
Molecular consequence: nonsense.
Genome position (GRCh38, 1-based): chr7:33,109,368, G>T on the plus strand (C>A on the coding strand, the complement: RP9 is on the minus strand). VCF-style: chr7-33109368-G-T. GRCh37 (hg19) VCF-style: chr7-33148980-G-T.
Other names: short protein forms S2*.
Identifiers: ClinVar variation 3066364 (VCV003066364.1), dbSNP rs1010772189, ClinGen allele CA367185480.